The following is an entry in ClinVar:

NM_145239.3(PRRT2):c.248A>C (p.Gln83Pro)

Genes: MVP-DT (MVP divergent transcript; minus strand), PRRT2 (proline rich transmembrane protein 2; plus strand). Cytogenetic location: 16p11.2.
Variant type: single nucleotide variant.
Coding change: c.248A>C on transcript NM_145239.3 (MANE Select); coding-DNA position 248, A replaced by C.
Protein change: p.Gln83Pro; replaces glutamine 83 with proline.
Molecular consequence: missense variant.
Genome position (GRCh38, 1-based): chr16:29,813,302, A>C. VCF-style: chr16-29813302-A-C. GRCh37 (hg19) VCF-style: chr16-29824623-A-C.
Other names: c.248A>C, p.Gln83Pro (NM_001256442.2, NM_001256443.2); short protein forms Q83P.
Identifiers: ClinVar variation 2228464 (VCV002228464.5), dbSNP rs1033347986, ClinGen allele CA280409227.

ClinVar aggregate classification (germline): Uncertain significance. Review status: criteria provided, multiple submitters, no conflicts (2 of 4 stars). 2 submissions from 2 submitters: Uncertain significance (2). Last evaluated 2026-01-19.

Conditions:
Inborn genetic diseases. Identifiers: MedGen C0950123, MeSH D030342.
Episodic kinesigenic dyskinesia (EKD). Also called: Paroxysmal kinesigenic dyskinesia. Identifiers: Orphanet 98809, MedGen C1868682, MONDO:0044202.

Allele frequency attached by ClinVar (database versions not stated): gnomAD 0.00001; TOPMed 0.00001.
gnomAD v4.1: 2 of 1,613,946 alleles (0.00012%); highest among the groups gnomAD compares: African/African-American, 0.0027%; no homozygotes.

Submissions (2):

Labcorp Genetics (formerly Invitae), Labcorp
Classification: Uncertain significance for Episodic kinesigenic dyskinesia. Last evaluated: 2026-01-19. Review status: criteria provided, single submitter. Criteria: Invitae Variant Classification Sherloc (09022015). Collection method: clinical testing. Allele origin: germline.
Comment: This sequence change replaces glutamine, which is neutral and polar, with proline, which is neutral and non-polar, at codon 83 of the PRRT2 protein (p.Gln83Pro). This variant is not present in population databases (gnomAD no frequency). This variant has not been reported in the literature in individuals affected with PRRT2-related conditions. ClinVar contains an entry for this variant (Variation ID: 2228464). Invitae Evidence Modeling of protein sequence and biophysical properties (such as structural, functional, and spatial information, amino acid conservation, physicochemical variation, residue mobility, and thermodynamic stability) indicates that this missense variant is not expected to disrupt PRRT2 protein function with a negative predictive value of 95%. In summary, the available evidence is currently insufficient to determine the role of this variant in disease. Therefore, it has been classified as a Variant of Uncertain Significance.

Ambry Genetics
Classification: Uncertain significance for Inborn genetic diseases. Last evaluated: 2020-11-30. Review status: criteria provided, single submitter. Criteria: Ambry Variant Classification Scheme 2023. Collection method: clinical testing. Allele origin: germline.
Comment: The c.248A>C (p.Q83P) alteration is located in exon 2 (coding exon 1) of the PRRT2 gene. This alteration results from a A to C substitution at nucleotide position 248, causing the glutamine (Q) at amino acid position 83 to be replaced by a proline (P). The p.Q83P alteration is predicted to be tolerated by in silico analysis. Based on insufficient or conflicting evidence, the clinical significance of this alteration remains unclear.